The following is an entry in ClinVar:

NM_006361.6(HOXB13):c.247T>A (p.Phe83Ile)

Gene: HOXB13 (homeobox B13; minus strand). Cytogenetic location: 17q21.32.
Variant type: single nucleotide variant.
Coding change: c.247T>A on transcript NM_006361.6 (MANE Select); coding-DNA position 247, T replaced by A.
Protein change: p.Phe83Ile; replaces phenylalanine 83 with isoleucine.
Molecular consequence: missense variant.
Genome position (GRCh38, 1-based): chr17:48,728,347, A>T on the plus strand (T>A on the coding strand, the complement: HOXB13 is on the minus strand). VCF-style: chr17-48728347-A-T. GRCh37 (hg19) VCF-style: chr17-46805709-A-T.
Other names: short protein forms F83I.
Identifiers: ClinVar variation 2840201 (VCV002840201.3), dbSNP rs2509515615, ClinGen allele CA400107845.

ClinVar aggregate classification (germline): Uncertain significance (1 of 4 stars; one submission).

Submission:

Labcorp Genetics (formerly Invitae), Labcorp
Classification: Uncertain significance. Last evaluated: 2023-02-23. Review status: criteria provided, single submitter. Criteria: Invitae Variant Classification Sherloc (09022015). Collection method: clinical testing. Allele origin: germline.
Comment: This variant is not present in population databases (gnomAD no frequency). This variant has not been reported in the literature in individuals affected with HOXB13-related conditions. Advanced modeling of protein sequence and biophysical properties (such as structural, functional, and spatial information, amino acid conservation, physicochemical variation, residue mobility, and thermodynamic stability) performed at Invitae indicates that this missense variant is not expected to disrupt HOXB13 protein function. In summary, the available evidence is currently insufficient to determine the role of this variant in disease. Therefore, it has been classified as a Variant of Uncertain Significance. This sequence change replaces phenylalanine, which is neutral and non-polar, with isoleucine, which is neutral and non-polar, at codon 83 of the HOXB13 protein (p.Phe83Ile).